The following is an entry in ClinVar:

ClinVar aggregate classification (germline): Likely benign (1 of 4 stars; one submission).

Conditions:
PPP1R9B-related disorder. Also called: PPP1R9B-related condition.

Allele frequency attached by ClinVar (database versions not stated): TOPMed 0.00006.
gnomAD v4.1: 17 of 1,358,376 alleles (0.0013%); highest among the groups gnomAD compares: Admixed American, 0.055%; no homozygotes.

Submission:

PreventionGenetics, part of Exact Sciences
Classification: Likely benign for PPP1R9B-related condition. Last evaluated: 2023-01-06. Review status: criteria provided, single submitter. Criteria: ACMG Guidelines, 2015. Collection method: clinical testing. Allele origin: germline.
Comment: This variant is classified as likely benign based on ACMG/AMP sequence variant interpretation guidelines (Richards et al. 2015 PMID: 25741868, with internal and published modifications).

NM_032595.5(PPP1R9B):c.774G>C (p.Pro258=)

Gene: PPP1R9B (protein phosphatase 1 regulatory subunit 9B; minus strand). Cytogenetic location: 17q21.33.
Variant type: single nucleotide variant.
Coding change: c.774G>C on transcript NM_032595.5 (MANE Select); coding-DNA position 774, G replaced by C.
Protein change: p.Pro258=; no amino-acid change (proline 258 retained).
Molecular consequence: synonymous variant.
Genome position (GRCh38, 1-based): chr17:50,149,740, C>G on the plus strand (G>C on the coding strand, the complement: PPP1R9B is on the minus strand). VCF-style: chr17-50149740-C-G. GRCh37 (hg19) VCF-style: chr17-48227105-C-G.
Identifiers: ClinVar variation 3046058 (VCV003046058.1), dbSNP rs1480198791, ClinGen allele CA500990803.
Genomic context (GRCh38, chr17:50,149,740, plus strand): 5'-GGGCTGCTGCCCTGCGGGGCATCGCTCTTTCTCGGCCGGGGCATCCCCCGACGGGGCGGG[C>G]GGCGGCGGCGGCGGGGGCTGGAACACCCGGGACCGCTTGCTGACCAGCTTCGAGTTGACC-3'
Protein context (NP_115984.3, residues 248-268): SRVFQPPPPP[Pro258=]PAPSGDAPAE